The following is an entry in ClinVar:

ClinVar aggregate classification (germline): Uncertain significance (1 of 4 stars; one submission).

Conditions:
Cardiovascular phenotype. Identifiers: MedGen CN230736.

Submission:

Ambry Genetics
Classification: Uncertain significance for Cardiovascular phenotype. Last evaluated: 2019-10-18. Review status: criteria provided, single submitter. Criteria: Ambry Variant Classification Scheme 2023. Collection method: clinical testing. Allele origin: germline.
Comment: The p.I488M variant (also known as c.1464A>G), located in coding exon 8 of the AKAP9 gene, results from an A to G substitution at nucleotide position 1464. The isoleucine at codon 488 is replaced by methionine, an amino acid with highly similar properties. This amino acid position is poorly conserved in available vertebrate species. In addition, this alteration is predicted to be tolerated by in silico analysis. Since supporting evidence is limited at this time, the clinical significance of this alteration remains unclear.

NM_005751.5(AKAP9):c.1464A>G (p.Ile488Met)

Gene: AKAP9 (A-kinase anchoring protein 9; plus strand). Cytogenetic location: 7q21.2.
Variant type: single nucleotide variant.
Coding change: c.1464A>G on transcript NM_005751.5 (MANE Select); coding-DNA position 1464, A replaced by G.
Protein change: p.Ile488Met; replaces isoleucine 488 with methionine.
Molecular consequence: missense variant.
Genome position (GRCh38, 1-based): chr7:92,001,381, A>G. VCF-style: chr7-92001381-A-G. GRCh37 (hg19) VCF-style: chr7-91630695-A-G.
Other names: c.1464A>G, p.Ile488Met (NM_147185.3); short protein forms I488M.
Identifiers: ClinVar variation 1773210 (VCV001773210.2), dbSNP rs2484690091, ClinGen allele CA368121851.